The following is an entry in ClinVar:

ClinVar aggregate classification (germline): Uncertain significance (1 of 4 stars; one submission).

Submission:

Labcorp Genetics (formerly Invitae), Labcorp
Classification: Uncertain significance. Last evaluated: 2021-09-07. Review status: criteria provided, single submitter. Criteria: Invitae Variant Classification Sherloc (09022015). Collection method: clinical testing. Allele origin: germline.
Comment: This sequence change creates a premature translational stop signal (p.Ile535Thrfs*162) in the TNFAIP3 gene. While this is not anticipated to result in nonsense mediated decay, it is expected to disrupt the last 256 amino acid(s) of the TNFAIP3 protein. This variant is not present in population databases (ExAC no frequency). This variant has not been reported in the literature in individuals affected with TNFAIP3-related conditions. Experimental studies and prediction algorithms are not available or were not evaluated, and the functional significance of this variant is currently unknown. In summary, the available evidence is currently insufficient to determine the role of this variant in disease. Therefore, it has been classified as a Variant of Uncertain Significance.

NM_001270508.2(TNFAIP3):c.1604del (p.Ile535fs)

Gene: TNFAIP3 (TNF alpha induced protein 3; plus strand). Cytogenetic location: 6q23.3.
Variant type: Deletion.
Coding change: c.1604del on transcript NM_001270508.2 (MANE Select); coding-DNA position 1604, one base deleted (T; older notation c.1604delT).
Protein change: p.Ile535fs; shifts the reading frame from isoleucine 535.
Molecular consequence: frameshift variant.
Genome position (GRCh38, 1-based): chr6:137,879,049, T deleted. VCF-style (leftmost placement, unchanged base first): chr6-137879048-AT-A. GRCh37 (hg19) VCF-style: chr6-138200185-AT-A.
Other names: c.1604del, p.Ile535fs (NM_001270507.2, NM_006290.4); short protein forms I535fs.
Identifiers: ClinVar variation 1380093 (VCV001380093.6), dbSNP rs2114502933, ClinGen allele CA2573140557.